The following is an entry in ClinVar:

NM_001283009.2(RTEL1):c.971G>A (p.Arg324His)

Genes: RTEL1 (regulator of telomere elongation helicase 1; plus strand), RTEL1-TNFRSF6B (RTEL1-TNFRSF6B readthrough (NMD candidate); plus strand). Cytogenetic location: 20q13.33.
Variant type: single nucleotide variant.
Coding change: c.971G>A on transcript NM_001283009.2 (MANE Select); coding-DNA position 971, G replaced by A.
Protein change: p.Arg324His; replaces arginine 324 with histidine.
Molecular consequence: missense variant. On other transcripts: non-coding transcript variant (1).
Genome position (GRCh38, 1-based): chr20:63,678,280, G>A. VCF-style: chr20-63678280-G-A. GRCh37 (hg19) VCF-style: chr20-62309633-G-A.
Other names: p.Arg348His; c.302G>A, p.Arg101His (NM_001283010.1); c.971G>A, p.Arg324His (NM_016434.4); c.1043G>A, p.Arg348His (NM_032957.5); short protein forms R324H, R348H, R101H.
Identifiers: ClinVar variation 473899 (VCV000473899.20), dbSNP rs113684274, ClinGen allele CA9964547.

ClinVar aggregate classification (germline): Conflicting classifications of pathogenicity. Review status: criteria provided, conflicting classifications (1 of 4 stars). 10 submissions from 10 submitters: Uncertain significance (8); Likely benign (1). 1 of the submissions does not count toward it. Last evaluated 2026-02-01.

Conditions:
RTEL1-related disorder. Also called: RTEL1-related condition; RTEL1-related disorders.
Dyskeratosis congenita, autosomal recessive 5 (DKCB5). Identifiers: MedGen C3554656, MONDO:0014076, OMIM 615190.
Pulmonary fibrosis and/or bone marrow failure, Telomere-related, 3. Also called: PULMONARY FIBROSIS AND/OR BONE MARROW FAILURE SYNDROME, TELOMERE-RELATED, 3. Identifiers: Orphanet 2032, MedGen C4225346, MONDO:0014613, OMIM 616373.
Inborn genetic diseases. Identifiers: MedGen C0950123, MeSH D030342.
Dyskeratosis congenita. Identifiers: Orphanet 1775, MedGen C0265965, MONDO:0015780.

Allele frequency attached by ClinVar (database versions not stated): gnomAD 0.00044 and 0.00050; ESP Exome Variant Server 0.00046; TOPMed 0.00057.
gnomAD v4.1: 551 of 1,612,538 alleles (0.034%); highest among the groups gnomAD compares: African/African-American, 0.11%; no homozygotes.

Submissions (10):

Labcorp Genetics (formerly Invitae), Labcorp
Classification: Uncertain significance for Dyskeratosis congenita, autosomal recessive 5; Pulmonary fibrosis and/or bone marrow failure, Telomere-related, 3. Last evaluated: 2026-02-01. Review status: criteria provided, single submitter. Criteria: Invitae Variant Classification Sherloc (09022015). Collection method: clinical testing. Allele origin: germline.
Comment: This sequence change replaces arginine, which is basic and polar, with histidine, which is basic and polar, at codon 324 of the RTEL1 protein (p.Arg324His). This variant is present in population databases (rs113684274, gnomAD 0.1%). This variant has not been reported in the literature in individuals affected with RTEL1-related conditions. This variant is also known as c.1043G>A (p.Arg348His). ClinVar contains an entry for this variant (Variation ID: 473899). An algorithm developed to predict the effect of missense changes on protein structure and function outputs the following: PolyPhen-2: "Benign". The histidine amino acid residue is found in multiple mammalian species, which suggests that this missense change does not adversely affect protein function. In summary, the available evidence is currently insufficient to determine the role of this variant in disease. Therefore, it has been classified as a Variant of Uncertain Significance.

PreventionGenetics, part of Exact Sciences
Classification: Uncertain significance for RTEL1-related condition. Last evaluated: 2025-08-28. Review status: criteria provided, single submitter. Criteria: ACMG Guidelines, 2015. Collection method: clinical testing. Allele origin: germline.
Comment: The RTEL1 c.1043G>A variant is predicted to result in the amino acid substitution p.Arg348His. To our knowledge, this variant has not been reported in the literature. This variant is reported in 0.097% of alleles in individuals of Ashkenazi Jewish descent in gnomAD. This variant has conflicting interpretations ranging from uncertain significance to likely benign in ClinVar (Variation ID: 473899). At this time, the clinical significance of this variant is uncertain due to the absence of conclusive functional and genetic evidence.

GeneDx
Classification: Uncertain significance. Last evaluated: 2025-04-30. Review status: criteria provided, single submitter. Criteria: GeneDx Variant Classification Process June 2021. Collection method: clinical testing. Allele origin: germline. Affected: yes.
Comment: In silico analysis indicates that this missense variant does not alter protein structure/function; Has not been previously published as pathogenic or benign to our knowledge

Ambry Genetics
Classification: Uncertain significance for Inborn genetic diseases. Last evaluated: 2024-02-27. Review status: criteria provided, single submitter. Criteria: Ambry Variant Classification Scheme 2023. Collection method: clinical testing. Allele origin: germline.

Baylor Genetics
Classification: Uncertain significance for Dyskeratosis congenita, autosomal recessive 5. Last evaluated: 2022-12-06. Review status: criteria provided, single submitter. Criteria: ACMG Guidelines, 2015. Collection method: clinical testing. Allele origin: unknown.

Mayo Clinic Laboratories, Mayo Clinic
Classification: Uncertain significance. Last evaluated: 2022-10-03. Review status: criteria provided, single submitter. Criteria: ACMG Guidelines, 2015. Collection method: clinical testing. Allele origin: germline. Observed: 1 variant allele.
Comment: BP4

Sema4
Classification: Uncertain significance for Dyskeratosis congenita. Last evaluated: 2021-12-08. Review status: criteria provided, single submitter. Criteria: Sema4 Curation Guidelines. Collection method: curation. Allele origin: germline.
Comment: The RTEL1 c.971G>A (p.R324H) variant has not been reported in the literature to our knowledge. This variant was observed in 64/280972 chromosomes, with no homozygotes, in the large and broad cohorts of the Genome Aggregation Database (PMID: 32461654). This variant has been reported in ClinVar (Variation ID: 473899). Functional studies have not been performed, and in silico predictions of the variant's effect on protein function are inconclusive. The overall evidence is insufficient to meet ACMG/AMP criteria for classifying it as benign or pathogenic. In summary, the clinical significance of this variant is currently uncertain.

Johns Hopkins Genomics, Johns Hopkins University
Classification: Likely benign for Pulmonary fibrosis and/or bone marrow failure, Telomere-related, 3. Last evaluated: 2019-09-07. Review status: criteria provided, single submitter. Criteria: ACMG Guidelines, 2015. Collection method: clinical testing. Allele origin: germline.

Mendelics
Classification: Uncertain significance for Dyskeratosis congenita, autosomal recessive 5. Last evaluated: 2019-05-28. Review status: criteria provided, single submitter. Criteria: Mendelics Assertion Criteria 2017. Collection method: clinical testing. Allele origin: unknown.

Natera, Inc.
Classification: Uncertain significance for Dyskeratosis congenita. Last evaluated: 2019-11-11. Review status: no assertion criteria provided. Collection method: clinical testing. Allele origin: germline. Not counted in ClinVar's aggregate classification.